The following is an entry in ClinVar:

NM_004807.3(HS6ST1):c.156C>T (p.Asp52=)

Gene: HS6ST1 (heparan sulfate 6-O-sulfotransferase 1; minus strand). Cytogenetic location: 2q14.3.
Variant type: single nucleotide variant.
Coding change: c.156C>T on transcript NM_004807.3 (MANE Select); coding-DNA position 156, C replaced by T.
Protein change: p.Asp52=; no amino-acid change (aspartic acid 52 retained).
Molecular consequence: synonymous variant.
Genome position (GRCh38, 1-based): chr2:128,318,408, G>A on the plus strand (C>T on the coding strand, the complement: HS6ST1 is on the minus strand). VCF-style: chr2-128318408-G-A. GRCh37 (hg19) VCF-style: chr2-129075982-G-A.
Identifiers: ClinVar variation 3055191 (VCV003055191.4), dbSNP rs772677352, ClinGen allele CA1867683.
Genomic context (GRCh38, chr2:128,318,408, plus strand): 5'-GACCGGGAAGTAGTACTTCTTCTCGTAGTGGGGGTCGGGTGTGGGGAACAGGTCCAGGTC[G>A]TCGGGCGGCGCGCGGCCGCCGGGCGCGCCCAGGCTCAGTCCTGGGCCCGCGTACTGGTAC-3'
Protein context (NP_004798.3, residues 42-62): LGAPGGRAPP[Asp52=]DLDLFPTPDP

ClinVar aggregate classification (germline): Likely benign. Review status: criteria provided, single submitter (1 of 4 stars). 2 submissions from 2 submitters: Likely benign (1). 1 of the submissions does not count toward it. Last evaluated 2026-04-01.

Conditions:
HS6ST1-related disorder. Also called: HS6ST1-related condition.

Allele frequency attached by ClinVar (database versions not stated): gnomAD 0.00001; gnomAD exomes 0.00002; TOPMed 0.00003; ExAC 0.00006.
gnomAD v4.1: 24 of 1,603,402 alleles (0.0015%); highest among the groups gnomAD compares: Admixed American, 0.036%; no homozygotes.

Submissions (2):

CeGaT Center for Human Genetics Tuebingen
Classification: Likely benign. Last evaluated: 2026-04-01. Review status: criteria provided, single submitter. Criteria: CeGaT Center For Human Genetics Tuebingen Variant Classification Criteria Version 2. Collection method: clinical testing. Allele origin: germline. Affected: yes. Observed: 1 variant allele.
Comment: HS6ST1: BP4, BP7

PreventionGenetics, part of Exact Sciences
Classification: Likely benign for HS6ST1-related condition. Last evaluated: 2021-12-23. Review status: no assertion criteria provided. Collection method: clinical testing. Allele origin: germline. Not counted in ClinVar's aggregate classification.
Comment: This variant is classified as likely benign based on ACMG/AMP sequence variant interpretation guidelines (Richards et al. 2015 PMID: 25741868, with internal and published modifications).